The following is an entry in ClinVar:

ClinVar aggregate classification (germline): Uncertain significance (1 of 4 stars; one submission).

Submission:

CeGaT Center for Human Genetics Tuebingen
Classification: Uncertain significance. Last evaluated: 2025-10-01. Review status: criteria provided, single submitter. Criteria: CeGaT Center For Human Genetics Tuebingen Variant Classification Criteria Version 2. Collection method: clinical testing. Allele origin: germline. Affected: yes. Observed: 1 variant allele.
Comment: PUM1: PP2, BP4

NC_000001.11:g.31065761C>T

Gene: PUM1 (pumilio RNA binding family member 1; minus strand). Cytogenetic location: 1p35.2.
Variant type: single nucleotide variant.
Genome position: GRCh38 VCF-style: chr1-31065761-C-T. GRCh37 (hg19) VCF-style: chr1-31538608-C-T.
Identifiers: ClinVar variation 4534437 (VCV004534437.6).